The following is an entry in ClinVar:

ClinVar aggregate classification (germline): Pathogenic (1 of 4 stars; one submission).

Conditions:
Congenital muscular hypertrophy-cerebral syndrome (CDLS2). Also called: Cornelia de Lange syndrome 2; SMC1A-Related Cornelia de Lange Syndrome. Identifiers: Orphanet 199, MedGen C1802395, MONDO:0010370, OMIM 300590.

Submission:

Labcorp Genetics (formerly Invitae), Labcorp
Classification: Pathogenic for Congenital muscular hypertrophy-cerebral syndrome. Last evaluated: 2020-01-28. Review status: criteria provided, single submitter. Criteria: Invitae Variant Classification Sherloc (09022015). Collection method: clinical testing. Allele origin: germline.
Comment: For these reasons, this variant has been classified as Pathogenic. Loss-of-function variants in SMC1A are known to be pathogenic (PMID: 26358754, 26386245, 27334371). This variant has been reported to be de novo in individuals affected with early-onset epilepsy and developmental delay (PMID: 28166369). This variant is not present in population databases (ExAC no frequency). This sequence change creates a premature translational stop signal (p.Arg975*) in the SMC1A gene. It is expected to result in an absent or disrupted protein product.

Literature cited by the submitters: PubMed 26358754; PubMed 26386245; PubMed 27334371; PubMed 28166369.

NM_006306.4(SMC1A):c.2923C>T (p.Arg975Ter)

Gene: SMC1A (structural maintenance of chromosomes 1A; minus strand). Cytogenetic location: Xp11.22.
Variant type: single nucleotide variant.
Coding change: c.2923C>T on transcript NM_006306.4 (MANE Select); coding-DNA position 2923, C replaced by T.
Protein change: p.Arg975Ter; replaces arginine 975 with a stop codon.
Molecular consequence: nonsense.
Genome position (GRCh38, 1-based): chrX:53,394,828, G>A on the plus strand (C>T on the coding strand, the complement: SMC1A is on the minus strand). VCF-style: chrX-53394828-G-A. GRCh37 (hg19) VCF-style: chrX-53421748-G-A.
Other names: c.2857C>T, p.Arg953Ter (NM_001281463.1); short protein forms R953*, R975*.
Identifiers: ClinVar variation 1074295 (VCV001074295.9), dbSNP rs2146592407, ClinGen allele CA413247390.
Genomic context (GRCh38, chrX:53,394,828, plus strand): 5'-TGATCCTCACCTTCAGATCCTCACACAGATCACCGTAGTCAATCTCAATGAGGGCCTCTC[G>A]TGCATAGATACTGGAAATTCTCTGTGAACCACTCACTGAGTCCTCCCCCTGGGAGCTACC-3'